The following is an entry in ClinVar:

NM_000875.5(IGF1R):c.457T>A (p.Ser153Thr)

Gene: IGF1R (insulin like growth factor 1 receptor; plus strand). Cytogenetic location: 15q26.3.
Variant type: single nucleotide variant.
Coding change: c.457T>A on transcript NM_000875.5 (MANE Select); coding-DNA position 457, T replaced by A.
Protein change: p.Ser153Thr; replaces serine 153 with threonine.
Molecular consequence: missense variant.
Genome position (GRCh38, 1-based): chr15:98,707,924, T>A. VCF-style: chr15-98707924-T-A. GRCh37 (hg19) VCF-style: chr15-99251153-T-A.
Other names: c.457T>A, p.Ser153Thr (NM_001291858.2); short protein forms S153T.
Identifiers: ClinVar variation 884697 (VCV000884697.4), dbSNP rs774104340, ClinGen allele CA275819436.

ClinVar aggregate classification (germline): Uncertain significance (1 of 4 stars; one submission).

Conditions:
Growth delay due to insulin-like growth factor I resistance. Also called: Insulin-Like Growth Factor I Resistance; Somatomedin end-organ insensitivity to; Somatomedin-c resistance to; IGF-1 resistance; IGF-I RESISTANCE. Identifiers: Orphanet 73273, MedGen C1849157, MONDO:0010038, OMIM 270450.

Allele frequency attached by ClinVar (database versions not stated): gnomAD exomes below 0.00001.
gnomAD v4.1: 1 of 1,614,166 alleles (0.000062%); highest among the groups gnomAD compares: Non-Finnish European, 0.000085%; no homozygotes.

Submission:

Illumina Laboratory Services, Illumina
Classification: Uncertain significance for Growth delay due to insulin-like growth factor I resistance. Last evaluated: 2017-04-28. Review status: criteria provided, single submitter. Criteria: ICSL Variant Classification Criteria 13 December 2019. Collection method: clinical testing. Allele origin: germline.
Comment: This variant was observed as part of a predisposition screen in an ostensibly healthy population. A literature search was performed for the gene, cDNA change, and amino acid change (where applicable). Publications were found based on this search. However, the evidence from the literature, in combination with allele frequency data from public databases where available, was not sufficient to rule this variant in or out of causing disease. Therefore, this variant is classified as a variant of unknown significance.

Literature cited by the submitters: PubMed 20455999; PubMed 22903739.